The following is an entry in ClinVar:

NM_002617.4(PEX10):c.820_828del (p.Thr274_Cys276del)

Gene: PEX10 (peroxisomal biogenesis factor 10; minus strand). Cytogenetic location: 1p36.32.
Variant type: Deletion.
Coding change: c.820_828del on transcript NM_002617.4 (MANE Select); coding-DNA positions 820 to 828, 9 bases deleted (ACCCTGTGC; older notation c.820_828delACCCTGTGC).
Protein change: p.Thr274_Cys276del.
Molecular consequence: inframe deletion. On other transcripts: non-coding transcript variant (1).
Genome position (GRCh38, 1-based): chr1:2,406,568-2,406,576, GCACAGGGT deleted on the plus strand (ACCCTGTGC on the coding strand, the reverse complement: PEX10 is on the minus strand); deleting any 9 consecutive bases within chr1:2,406,568-2,406,584 gives the same sequence; the c. name uses the placement nearest the transcript's 3' end. VCF-style (leftmost placement, unchanged base first): chr1-2406567-GGCACAGGGT-G. GRCh37 (hg19) VCF-style: chr1-2338006-GGCACAGGGT-G.
Other names: c.877_885del, p.Thr293_Cys295del (NM_001374425.1); c.445_453del, p.Thr149_Cys151del (NM_001374426.1); c.388_396del, p.Thr130_Cys132del (NM_001374427.1); c.880_888del, p.Thr294_Cys296del (NM_153818.2).
Identifiers: ClinVar variation 2994835 (VCV002994835.4), dbSNP rs757974161, ClinGen allele CA538001.

ClinVar aggregate classification (germline): Conflicting classifications of pathogenicity. Review status: criteria provided, conflicting classifications (1 of 4 stars). 2 submissions from 2 submitters: Pathogenic (1); Uncertain significance (1). Last evaluated 2025-12-09.

Conditions:
Peroxisome biogenesis disorder, complementation group 7 (CG7). Also called: Peroxisome biogenesis disorder, complementation group B. Identifiers: MedGen C1864399.
Peroxisome biogenesis disorder. Identifiers: Orphanet 79189, MedGen C1832200, MONDO:0019234. Disease mechanism: loss of function.

Submissions (2):

Myriad Genetics, Inc.
Classification: Uncertain significance for Peroxisome biogenesis disorder. Last evaluated: 2025-12-09. Review status: criteria provided, single submitter. Criteria: Myriad Autosomal Dominant, Autosomal Recessive and X-Linked Classification Criteria (2023). Collection method: clinical testing. Allele origin: unknown.
Comment: NM_153818.1(PEX10):c.880_888del9(T294_C296del) is an in-frame deletion classified as a variant of uncertain significance in the context of peroxisome biogenesis disorder type 6. T294_C296del has not been observed in cases with relevant disease. Relevant functional assessments of this variant are not available in the literature. T294_C296del has been observed in referenced population frequency databases. In summary, there is insufficient evidence to classify NM_153818.1(PEX10):c.880_888del9(T294_C296del) as pathogenic or benign. Please note: this variant was assessed in the context of healthy population screening.

Labcorp Genetics (formerly Invitae), Labcorp
Classification: Pathogenic for Peroxisome biogenesis disorder, complementation group 7. Last evaluated: 2023-04-22. Review status: criteria provided, single submitter. Criteria: Invitae Variant Classification Sherloc (09022015). Collection method: clinical testing. Allele origin: germline.
Comment: This variant is present in population databases (rs757974161, gnomAD 0.0009%). This variant, c.880_888del, results in the deletion of 3 amino acid(s) of the PEX10 protein (p.Thr294_Cys296del), but otherwise preserves the integrity of the reading frame. This variant has not been reported in the literature in individuals affected with PEX10-related conditions. This variant disrupts a region of the PEX10 protein in which other variant(s) (p.Cys296Phe) have been determined to be pathogenic (PMID: 27230853). This suggests that this is a clinically significant region of the protein, and that variants that disrupt it are likely to be disease-causing. For these reasons, this variant has been classified as Pathogenic.

Literature cited by the submitters: PubMed 27230853 (cited by Labcorp Genetics (formerly Invitae), Labcorp).